The following is an entry in ClinVar:

NM_138295.5(PKD1L1):c.4798_4799del (p.Gln1600fs)

Gene: PKD1L1 (polycystin 1 like 1, transient receptor potential channel interacting; minus strand). Cytogenetic location: 7p12.3.
Variant type: Deletion.
Coding change: c.4798_4799del on transcript NM_138295.5 (MANE Select); coding-DNA positions 4798 to 4799, 2 bases deleted (CA; older notation c.4798_4799delCA).
Protein change: p.Gln1600fs; shifts the reading frame from glutamine 1600.
Molecular consequence: frameshift variant.
Genome position (GRCh38, 1-based): chr7:47,854,942-47,854,943, TG deleted on the plus strand (CA on the coding strand, the reverse complement: PKD1L1 is on the minus strand); deleting any 2 consecutive bases within chr7:47,854,942-47,854,944 gives the same sequence; the c. name uses the placement nearest the transcript's 3' end. VCF-style (leftmost placement, unchanged base first): chr7-47854941-CTG-C. GRCh37 (hg19) VCF-style: chr7-47894539-CTG-C.
Other names: short protein forms Q1600fs.
Identifiers: ClinVar variation 2501764 (VCV002501764.3), dbSNP rs780278874, ClinGen allele CA4253025.

ClinVar aggregate classification (germline): Pathogenic. Review status: criteria provided, single submitter (1 of 4 stars). 2 submissions from 2 submitters: Pathogenic (1). 1 of the submissions does not count toward it. Last evaluated 2024-12-12.

Conditions:
Heterotaxy, visceral, 8, autosomal (HTX8). Identifiers: MedGen C4310668, MONDO:0014967, OMIM 617205.

Submissions (2):

Labcorp Genetics (formerly Invitae), Labcorp
Classification: Pathogenic. Last evaluated: 2024-12-12. Review status: criteria provided, single submitter. Criteria: Invitae Variant Classification Sherloc (09022015). Collection method: clinical testing. Allele origin: germline.
Comment: This sequence change creates a premature translational stop signal (p.Gln1600Aspfs*4) in the PKD1L1 gene. It is expected to result in an absent or disrupted protein product. Loss-of-function variants in PKD1L1 are known to be pathogenic (PMID: 27616478). This variant is present in population databases (rs780278874, gnomAD 0.009%). This premature translational stop signal has been observed in individual(s) with heterotaxy and complex congenital heart defects (PMID: 31026592). ClinVar contains an entry for this variant (Variation ID: 2501764). Algorithms developed to predict the effect of sequence changes on RNA splicing suggest that this variant may disrupt the consensus splice site. For these reasons, this variant has been classified as Pathogenic.

OMIM
Classification: Pathogenic for HETEROTAXY, VISCERAL, 8, AUTOSOMAL. Last evaluated: 2023-08-04. Review status: no assertion criteria provided. Collection method: literature only. Allele origin: germline. Not counted in ClinVar's aggregate classification.

Literature cited by the submitters: PubMed 27616478 (cited by Labcorp Genetics (formerly Invitae), Labcorp); PubMed 31026592 (cited by Labcorp Genetics (formerly Invitae), Labcorp and OMIM).